The following is an entry in ClinVar:

NM_000553.6(WRN):c.806C>T (p.Pro269Leu)

Gene: WRN (WRN RecQ like helicase; plus strand). Cytogenetic location: 8p12.
Variant type: single nucleotide variant.
Coding change: c.806C>T on transcript NM_000553.6 (MANE Select); coding-DNA position 806, C replaced by T.
Protein change: p.Pro269Leu; replaces proline 269 with leucine.
Molecular consequence: missense variant.
Genome position (GRCh38, 1-based): chr8:31,076,254, C>T. VCF-style: chr8-31076254-C-T. GRCh37 (hg19) VCF-style: chr8-30933770-C-T.
Other names: short protein forms P269L.
Identifiers: ClinVar variation 936580 (VCV000936580.4), dbSNP rs1389146631, ClinGen allele CA370918608.

ClinVar aggregate classification (germline): Uncertain significance (1 of 4 stars; one submission).

Conditions:
Werner syndrome (WRN). Identifiers: Orphanet 902, MedGen C0043119, MONDO:0010196, OMIM 277700.

Allele frequency attached by ClinVar (database versions not stated): gnomAD exomes below 0.00001 and 0.00001; gnomAD 0.00001.
gnomAD v4.1: 4 of 1,613,546 alleles (0.00025%); highest among the groups gnomAD compares: Admixed American, 0.0033%; no homozygotes.

Submission:

Labcorp Genetics (formerly Invitae), Labcorp
Classification: Uncertain significance for Werner syndrome. Last evaluated: 2021-09-10. Review status: criteria provided, single submitter. Criteria: Invitae Variant Classification Sherloc (09022015). Collection method: clinical testing. Allele origin: germline.
Comment: This sequence change replaces proline with leucine at codon 269 of the WRN protein (p.Pro269Leu). The proline residue is highly conserved and there is a moderate physicochemical difference between proline and leucine. This variant is not present in population databases (ExAC no frequency). This variant has not been reported in the literature in individuals affected with WRN-related conditions. Algorithms developed to predict the effect of missense changes on protein structure and function are either unavailable or do not agree on the potential impact of this missense change (SIFT: "Not Available"; PolyPhen-2: "Probably Damaging"; Align-GVGD: "Not Available"). In summary, the available evidence is currently insufficient to determine the role of this variant in disease. Therefore, it has been classified as a Variant of Uncertain Significance.